The following is an entry in ClinVar:

ClinVar aggregate classification (germline): Uncertain significance (1 of 4 stars; one submission).

Conditions:
Spinocerebellar ataxia, autosomal recessive, with axonal neuropathy 2 (SCAN2). Also called: Ataxia-ocular apraxia-2; ATAXIA-OCULOMOTOR APRAXIA 2; Ataxia with Oculomotor Apraxia; Ataxia with Oculomotor Apraxia Type 2. Identifiers: Orphanet 64753, MedGen C1853761, MONDO:0018996, OMIM 606002.
Amyotrophic lateral sclerosis type 4 (ALS4). Also called: AMYOTROPHIC LATERAL SCLEROSIS 4, JUVENILE; NEURONOPATHY, DISTAL HEREDITARY MOTOR, WITH PYRAMIDAL FEATURES. Identifiers: Orphanet 357043, MedGen C1865409, MONDO:0011223, OMIM 602433.

gnomAD v4.1: 19 of 1,613,152 alleles (0.0012%); highest among the groups gnomAD compares: South Asian, 0.0022%; no homozygotes.

Submission:

Labcorp Genetics (formerly Invitae), Labcorp
Classification: Uncertain significance for Amyotrophic lateral sclerosis type 4; Spinocerebellar ataxia, autosomal recessive, with axonal neuropathy 2. Last evaluated: 2024-04-30. Review status: criteria provided, single submitter. Criteria: Invitae Variant Classification Sherloc (09022015). Collection method: clinical testing. Allele origin: germline.
Comment: This sequence change replaces aspartic acid, which is acidic and polar, with asparagine, which is neutral and polar, at codon 1783 of the SETX protein (p.Asp1783Asn). This variant is not present in population databases (gnomAD no frequency). This variant has not been reported in the literature in individuals affected with SETX-related conditions. Advanced modeling of protein sequence and biophysical properties (such as structural, functional, and spatial information, amino acid conservation, physicochemical variation, residue mobility, and thermodynamic stability) performed at Invitae indicates that this missense variant is not expected to disrupt SETX protein function with a negative predictive value of 95%. In summary, the available evidence is currently insufficient to determine the role of this variant in disease. Therefore, it has been classified as a Variant of Uncertain Significance.

NM_015046.7(SETX):c.5347G>A (p.Asp1783Asn)

Gene: SETX (senataxin; minus strand). Cytogenetic location: 9q34.13.
Variant type: single nucleotide variant.
Coding change: c.5347G>A on transcript NM_015046.7 (MANE Select); coding-DNA position 5347, G replaced by A.
Protein change: p.Asp1783Asn; replaces aspartic acid 1783 with asparagine.
Molecular consequence: missense variant.
Genome position (GRCh38, 1-based): chr9:132,311,784, C>T on the plus strand (G>A on the coding strand, the complement: SETX is on the minus strand). VCF-style: chr9-132311784-C-T. GRCh37 (hg19) VCF-style: chr9-135187171-C-T.
Other names: c.5347G>A, p.Asp1783Asn (NM_001351527.2, NM_001351528.2); short protein forms D1783N.
Identifiers: ClinVar variation 3761429 (VCV003761429.2).